The following is an entry in ClinVar:

ClinVar aggregate classification (germline): Pathogenic (1 of 4 stars; one submission).

Conditions:
Inborn genetic diseases. Identifiers: MedGen C0950123, MeSH D030342.

Submission:

Ambry Genetics
Classification: Pathogenic for Inborn genetic diseases. Last evaluated: 2023-08-14. Review status: criteria provided, single submitter. Criteria: Ambry Variant Classification Scheme 2023. Collection method: clinical testing. Allele origin: germline.
Comment: The c.1608_1609dupGG (p.A537Gfs*37) alteration, located in exon 11 (coding exon 10) of the HNRNPR gene, consists of a duplication of GG at position 1608, causing a translational frameshift with a predicted alternate stop codon after 37 amino acids. This alteration occurs at the 3' terminus of the HNRNPR gene, is not expected to trigger nonsense-mediated mRNA decay, and only impacts the last 15.7% of the protein. However, premature stop codons are typically deleterious in nature, the impacted region is critical for protein function, and a significant portion of the protein is affected (Ambry internal data). This variant was not reported in population-based cohorts in the Genome Aggregation Database (gnomAD). Based on the available evidence, this alteration is classified as pathogenic.

NM_005826.5(HNRNPR):c.1599_1600dup (p.Ala534fs)

Gene: HNRNPR (heterogeneous nuclear ribonucleoprotein R; minus strand). Cytogenetic location: 1p36.12.
Variant type: Duplication.
Coding change: c.1599_1600dup on transcript NM_005826.5 (MANE Select); coding-DNA positions 1599 to 1600, 2 bases duplicated (GG; older notation c.1599_1600dupGG).
Protein change: p.Ala534fs; shifts the reading frame from alanine 534.
Molecular consequence: frameshift variant.
Genome position (GRCh38, 1-based): chr1:23,310,756-23,310,757, CC duplicated on the plus strand (GG on the coding strand, the reverse complement: HNRNPR is on the minus strand); duplicating any 2 consecutive bases within chr1:23,310,756-23,310,761 gives the same sequence; the c. name uses the placement nearest the transcript's 3' end. VCF-style (leftmost placement, unchanged base first): chr1-23310755-G-GCC. GRCh37 (hg19) VCF-style: chr1-23637248-G-GCC.
Other names: c.1296_1297dup, p.Ala433fs (NM_001102397.3); c.1608_1609dup, p.Ala537fs (NM_001102398.3); c.1305_1306dup, p.Ala436fs (NM_001102399.3); c.1485_1486dup, p.Ala496fs (NM_001297620.2); c.1119_1120dup, p.Ala374fs (NM_001297621.2); c.1182_1183dup, p.Ala395fs (NM_001297622.2); short protein forms A395fs, A433fs, A496fs, A537fs, A436fs, A534fs, A374fs.
Identifiers: ClinVar variation 2609054 (VCV002609054.2), dbSNP rs35459559, ClinGen allele CA2582341899.